The following is an entry in ClinVar:

ClinVar aggregate classification (germline): Likely pathogenic. Review status: criteria provided, single submitter (1 of 4 stars). 2 submissions from 2 submitters: Likely pathogenic (1). 1 of the submissions does not count toward it.

Conditions:
Bartter disease type 2. Also called: Bartter syndrome, type 2, antenatal; HYPERPROSTAGLANDIN E SYNDROME 2; HYPOKALEMIC ALKALOSIS WITH HYPERCALCIURIA 2, ANTENATAL. Identifiers: Orphanet 112, Orphanet 620220, MedGen C1855849, MONDO:0009424, OMIM 241200.

gnomAD v4.1: 24 of 1,614,200 alleles (0.0015%); highest among the groups gnomAD compares: Non-Finnish European, 0.002%; no homozygotes.

Submissions (2):

Juno Genomics, Hangzhou Juno Genomics, Inc
Classification: Likely pathogenic for Bartter disease type 2. Review status: criteria provided, single submitter. Criteria: ACMG Guidelines, 2015. Collection method: clinical testing. Allele origin: germline. Affected: yes.
Comment: Absent from controls (or at extremely low frequency if recessive) in Genome Aggregation Database, Exome Sequencing Project, 1000 Genomes Project, or Exome Aggregation Consortium.;For recessive disorders, detected in trans with a pathogenic variant.;Patient's phenotype or family history is highly specific for a disease with a single genetic etiology.;Co-segregation with disease in multiple affected family members in a gene definitively known to cause the disease.

Chinese Inherited Urolithiasis Consortium, The Affiliated Yantai Yuhuangding Hospital of Qingdao University
Classification: Likely pathogenic for Bartter disease type 2. Last evaluated: 2024-08-26. Review status: no assertion criteria provided. Collection method: clinical testing. Allele origin: paternal. Affected: yes. Observed: 1 variant allele. Not counted in ClinVar's aggregate classification.

NM_153766.3(KCNJ1):c.388G>T (p.Val130Leu)

Gene: KCNJ1 (potassium inwardly rectifying channel subfamily J member 1; minus strand). Cytogenetic location: 11q24.3.
Variant type: single nucleotide variant.
Coding change: c.388G>T on transcript NM_153766.3 (MANE Select); coding-DNA position 388, G replaced by T.
Protein change: p.Val130Leu; replaces valine 130 with leucine.
Molecular consequence: missense variant.
Genome position (GRCh38, 1-based): chr11:128,839,856, C>A on the plus strand (G>T on the coding strand, the complement: KCNJ1 is on the minus strand). VCF-style: chr11-128839856-C-A. GRCh37 (hg19) VCF-style: chr11-128709751-C-A.
Other names: c.445G>T, p.Val149Leu (NM_000220.6); c.388G>T, p.Val130Leu (NM_153764.3, NM_153767.4); c.439G>T, p.Val147Leu (NM_153765.3); short protein forms V130L, V147L, V149L.
Identifiers: ClinVar variation 3359194 (VCV003359194.4).